The following is an entry in ClinVar:

ClinVar aggregate classification (germline): Likely pathogenic (1 of 4 stars; one submission).

Conditions:
Nemaline myopathy 2 (NEM2). Also called: Nemaline myopathy 2, autosomal recessive. Identifiers: MedGen C1850569, MONDO:0009725, OMIM 256030.

Submission:

Labcorp Genetics (formerly Invitae), Labcorp
Classification: Likely pathogenic for Nemaline myopathy 2. Last evaluated: 2021-05-03. Review status: criteria provided, single submitter. Criteria: Invitae Variant Classification Sherloc (09022015). Collection method: clinical testing. Allele origin: germline.
Comment: In summary, the currently available evidence indicates that the variant is pathogenic, but additional data are needed to prove that conclusively. Therefore, this variant has been classified as Likely Pathogenic. Algorithms developed to predict the effect of sequence changes on RNA splicing suggest that this variant may disrupt the consensus splice site, but this prediction has not been confirmed by published transcriptional studies. This variant has not been reported in the literature in individuals with NEB-related conditions. This variant is not present in population databases (ExAC no frequency). This sequence change affects a donor splice site in intron 110 of the NEB gene. It is expected to disrupt RNA splicing. Variants that disrupt the donor or acceptor splice site typically lead to a loss of protein function (PMID: 16199547), and loss-of-function variants in NEB are known to be pathogenic (PMID: 25205138).

Literature cited by the submitters: PubMed 16199547; PubMed 25205138.

NM_001164508.2(NEB):c.17535+1G>T

Gene: NEB (nebulin; minus strand). Cytogenetic location: 2q23.3.
Variant type: single nucleotide variant.
Coding change: c.17535+1G>T on transcript NM_001164508.2 (MANE Select); the canonical splice donor site of the intron after coding-DNA position 17535, G replaced by T.
Molecular consequence: splice donor variant.
Genome position (GRCh38, 1-based): chr2:151,569,267, C>A on the plus strand (G>T on the coding strand, the complement: NEB is on the minus strand). VCF-style: chr2-151569267-C-A. GRCh37 (hg19) VCF-style: chr2-152425781-C-A.
Other names: c.12432+1G>T (NM_004543.5); c.17535+1G>T (NM_001164507.2, NM_001271208.2).
Identifiers: ClinVar variation 1477592 (VCV001477592.8), dbSNP rs2153749469, ClinGen allele CA348805581.